The following is an entry in ClinVar:

NM_153747.2(PIGC):c.392A>G (p.Tyr131Cys)

Genes: C1orf105 (chromosome 1 open reading frame 105; plus strand), PIGC (phosphatidylinositol glycan anchor biosynthesis class C; minus strand). Cytogenetic location: 1q24.3.
Variant type: single nucleotide variant.
Coding change: c.392A>G on transcript NM_153747.2 (MANE Select); coding-DNA position 392, A replaced by G.
Protein change: p.Tyr131Cys; replaces tyrosine 131 with cysteine.
Molecular consequence: missense variant. On other transcripts: intron variant (1).
Genome position (GRCh38, 1-based): chr1:172,442,231, T>C on the plus strand (A>G on the coding strand, the complement: PIGC is on the minus strand). VCF-style: chr1-172442231-T-C. GRCh37 (hg19) VCF-style: chr1-172411371-T-C.
Other names: c.392A>G, p.Tyr131Cys (NM_002642.4); c.22-2842T>C (NM_139240.4); short protein forms Y131C.
Identifiers: ClinVar variation 3907892 (VCV003907892.1).

ClinVar aggregate classification (germline): Uncertain significance (1 of 4 stars; one submission).

Submission:

GeneDx
Classification: Uncertain significance. Last evaluated: 2024-12-31. Review status: criteria provided, single submitter. Criteria: GeneDx Variant Classification Process June 2021. Collection method: clinical testing. Allele origin: germline. Affected: yes.
Comment: Not observed at significant frequency in large population cohorts (gnomAD); In silico analysis supports that this missense variant has a deleterious effect on protein structure/function; Has not been previously published as pathogenic or benign to our knowledge